The following is an entry in ClinVar:

ClinVar aggregate classification (germline): Likely benign. Review status: criteria provided, multiple submitters, no conflicts (2 of 4 stars). 4 submissions from 4 submitters: Likely benign (4). Last evaluated 2026-01-12.

Conditions:
Cardiomyopathy (CMYO). Also called: Cardiomyopathies. Identifiers: Orphanet 167848, MedGen C0878544, MONDO:0004994, HP:0001638. Inheritance: Various modes of inheritance.
Cardiovascular phenotype. Identifiers: MedGen CN230736.
Hypertrophic cardiomyopathy. Also called: HYPERTROPHIC MYOCARDIOPATHY. Identifiers: Orphanet 217569, MedGen C0007194, MeSH D002312, MONDO:0005045, HP:0001639.

Allele frequency attached by ClinVar (database versions not stated): gnomAD exomes below 0.00001; TOPMed 0.00001; gnomAD 0.00002.

Submissions (4):

Labcorp Genetics (formerly Invitae), Labcorp
Classification: Likely benign for Hypertrophic cardiomyopathy. Last evaluated: 2026-01-12. Review status: criteria provided, single submitter. Criteria: Invitae Variant Classification Sherloc (09022015). Collection method: clinical testing. Allele origin: germline.

Ambry Genetics
Classification: Likely benign for Cardiovascular phenotype. Last evaluated: 2024-07-24. Review status: criteria provided, single submitter. Criteria: Ambry Variant Classification Scheme 2023. Collection method: clinical testing. Allele origin: germline.

All of Us Research Program, National Institutes of Health
Classification: Likely benign for Hypertrophic cardiomyopathy. Last evaluated: 2023-08-15. Review status: criteria provided, single submitter. Criteria: ACMG Guidelines, 2015. Collection method: clinical testing. Allele origin: germline. Inheritance: Autosomal dominant inheritance. Observed: 1 variant allele, 1 heterozygote.
Comment: This study involves interpretation of variants in research participants for the purpose of population health screening. Participant phenotype was not available at the time of variant classification. Additional details can be found in publication PMID: 35346344, PMCID: PMC8962531

Color Diagnostics, LLC DBA Color Health
Classification: Likely benign for Cardiomyopathy. Last evaluated: 2018-10-08. Review status: criteria provided, single submitter. Criteria: ACMG Guidelines, 2015. Collection method: clinical testing. Allele origin: germline.

NM_000256.3(MYBPC3):c.1854C>T (p.Pro618=)

Gene: MYBPC3 (myosin binding protein C3; minus strand). Cytogenetic location: 11p11.2.
Variant type: single nucleotide variant.
Coding change: c.1854C>T on transcript NM_000256.3 (MANE Select); coding-DNA position 1854, C replaced by T.
Protein change: p.Pro618=; no amino-acid change (proline 618 retained).
Molecular consequence: synonymous variant.
Genome position (GRCh38, 1-based): chr11:47,341,181, G>A on the plus strand (C>T on the coding strand, the complement: MYBPC3 is on the minus strand). VCF-style: chr11-47341181-G-A. GRCh37 (hg19) VCF-style: chr11-47362732-G-A.
Identifiers: ClinVar variation 925421 (VCV000925421.8), dbSNP rs1459242483, ClinGen allele CA474218188.